The following is an entry in ClinVar:

NM_004260.4(RECQL4):c.907G>C (p.Val303Leu)

Gene: RECQL4 (RecQ like helicase 4; minus strand). Cytogenetic location: 8q24.3.
Variant type: single nucleotide variant.
Coding change: c.907G>C on transcript NM_004260.4 (MANE Select); coding-DNA position 907, G replaced by C.
Protein change: p.Val303Leu; replaces valine 303 with leucine.
Molecular consequence: missense variant.
Genome position (GRCh38, 1-based): chr8:144,516,212, C>G on the plus strand (G>C on the coding strand, the complement: RECQL4 is on the minus strand). VCF-style: chr8-144516212-C-G. GRCh37 (hg19) VCF-style: chr8-145741596-C-G.
Other names: c.907G>C (NM_004260.3); short protein forms V303L.
Identifiers: ClinVar variation 1003159 (VCV001003159.4), dbSNP rs1489813654, ClinGen allele CA372688692.

ClinVar aggregate classification (germline): Uncertain significance. Review status: criteria provided, multiple submitters, no conflicts (2 of 4 stars). 2 submissions from 2 submitters: Uncertain significance (2). Last evaluated 2025-10-05.

Conditions:
Baller-Gerold syndrome (BGS). Also called: CRANIOSYNOSTOSIS WITH RADIAL DEFECTS. Identifiers: Orphanet 1225, MedGen C0265308, MONDO:0009039, OMIM 218600.
Inborn genetic diseases. Identifiers: MedGen C0950123, MeSH D030342.

Allele frequency attached by ClinVar (database versions not stated): gnomAD 0.00001.
gnomAD v4.1: 3 of 1,613,170 alleles (0.00019%); highest among the groups gnomAD compares: Non-Finnish European, 0.00017%; no homozygotes.

Submissions (2):

Ambry Genetics
Classification: Uncertain significance for Inborn genetic diseases. Last evaluated: 2025-10-05. Review status: criteria provided, single submitter. Criteria: Ambry Variant Classification Scheme 2023. Collection method: clinical testing. Allele origin: germline.
Comment: The p.V303L variant (also known as c.907G>C), located in coding exon 5 of the RECQL4 gene, results from a G to C substitution at nucleotide position 907. The valine at codon 303 is replaced by leucine, an amino acid with highly similar properties. This amino acid position is conserved. In addition, this alteration is predicted to be tolerated by in silico analysis. Based on the available evidence, the clinical significance of this variant remains unclear.

Labcorp Genetics (formerly Invitae), Labcorp
Classification: Uncertain significance for Baller-Gerold syndrome. Last evaluated: 2020-05-15. Review status: criteria provided, single submitter. Criteria: Invitae Variant Classification Sherloc (09022015). Collection method: clinical testing. Allele origin: germline.
Comment: In summary, the available evidence is currently insufficient to determine the role of this variant in disease. Therefore, it has been classified as a Variant of Uncertain Significance. Experimental studies and prediction algorithms are not available or were not evaluated, and the functional significance of this variant is currently unknown. This variant has not been reported in the literature in individuals with RECQL4-related conditions. This variant is not present in population databases (ExAC no frequency). This sequence change replaces valine with leucine at codon 303 of the RECQL4 protein (p.Val303Leu). The valine residue is weakly conserved and there is a small physicochemical difference between valine and leucine.